The following is an entry in ClinVar:

NM_000330.4(RS1):c.649del (p.Leu217fs)

Genes: CDKL5 (cyclin dependent kinase like 5; plus strand), RS1 (retinoschisin 1; minus strand). Cytogenetic location: Xp22.13.
Variant type: Deletion.
Coding change: c.649del on transcript NM_000330.4 (MANE Select); coding-DNA position 649, one base deleted (C; older notation c.649delC).
Protein change: p.Leu217fs; shifts the reading frame from leucine 217.
Molecular consequence: frameshift variant. On other transcripts: intron variant (2).
Genome position (GRCh38, 1-based): chrX:18,642,030, G deleted on the plus strand (C on the coding strand, the reverse complement: RS1 is on the minus strand). VCF-style (leftmost placement, unchanged base first): chrX-18642029-AG-A. GRCh37 (hg19) VCF-style: chrX-18660149-AG-A.
Other names: c.2714-3977del (NM_003159.3, NM_001037343.2); short protein forms L217fs.
Identifiers: ClinVar variation 931958 (VCV000931958.5), dbSNP rs1927598075, ClinGen allele CA1139667261.

ClinVar aggregate classification (germline): Likely pathogenic (1 of 4 stars; one submission).

Conditions:
Juvenile retinoschisis (RS1). Also called: X-linked retinoschisis; X-Linked Juvenile Retinoschisis. Identifiers: Orphanet 792, MedGen C3714753, MONDO:0010725, OMIM 312700.

Submission:

Centre for Mendelian Genomics, University Medical Centre Ljubljana
Classification: Likely pathogenic for Juvenile retinoschisis. Last evaluated: 2016-01-01. Review status: criteria provided, single submitter. Criteria: ACMG Guidelines, 2015. Collection method: clinical testing. Allele origin: unknown. Affected: yes.
Comment: This variant was classified as: Likely pathogenic. The following ACMG criteria were applied in classifying this variant: PVS1,PM2. This variant was detected in hemizygous state.